The following is an entry in ClinVar:

NM_004870.4(MPDU1):c.599G>A (p.Arg200Gln)

Gene: MPDU1 (mannose-P-dolichol utilization defect 1; plus strand). Cytogenetic location: 17p13.1.
Variant type: single nucleotide variant.
Coding change: c.599G>A on transcript NM_004870.4 (MANE Select); coding-DNA position 599, G replaced by A.
Protein change: p.Arg200Gln; replaces arginine 200 with glutamine.
Molecular consequence: missense variant. On other transcripts: non-coding transcript variant (1).
Genome position (GRCh38, 1-based): chr17:7,587,252, G>A. VCF-style: chr17-7587252-G-A. GRCh37 (hg19) VCF-style: chr17-7490570-G-A.
Other names: c.541G>A, p.Glu181Lys (NM_001330073.1); short protein forms R200Q, E181K.
Identifiers: ClinVar variation 966796 (VCV000966796.10), dbSNP rs200077070, ClinGen allele CA287471079.

ClinVar aggregate classification (germline): Uncertain significance. Review status: criteria provided, multiple submitters, no conflicts (2 of 4 stars). 2 submissions from 2 submitters: Uncertain significance (2). Last evaluated 2024-09-11.

Conditions:
Inborn genetic diseases. Identifiers: MedGen C0950123, MeSH D030342.
MPDU1-congenital disorder of glycosylation. Also called: CONGENITAL DISORDER OF GLYCOSYLATION, TYPE If; CDG If; MPDU1-CDG. Identifiers: Orphanet 79323, MedGen C1836669, MONDO:0012211, OMIM 609180.

Allele frequency attached by ClinVar (database versions not stated): gnomAD 0.00001; gnomAD exomes 0.00001; TOPMed 0.00003.
gnomAD v4.1: 31 of 1,613,882 alleles (0.0019%); highest among the groups gnomAD compares: Non-Finnish European, 0.0024%; no homozygotes.

Submissions (2):

Ambry Genetics
Classification: Uncertain significance for Inborn genetic diseases. Last evaluated: 2024-09-11. Review status: criteria provided, single submitter. Criteria: Ambry Variant Classification Scheme 2023. Collection method: clinical testing. Allele origin: germline.

Labcorp Genetics (formerly Invitae), Labcorp
Classification: Uncertain significance for MPDU1-congenital disorder of glycosylation. Last evaluated: 2022-02-01. Review status: criteria provided, single submitter. Criteria: Invitae Variant Classification Sherloc (09022015). Collection method: clinical testing. Allele origin: germline.
Comment: This variant has not been reported in the literature in individuals affected with MPDU1-related conditions. In summary, the available evidence is currently insufficient to determine the role of this variant in disease. Therefore, it has been classified as a Variant of Uncertain Significance. Algorithms developed to predict the effect of missense changes on protein structure and function are either unavailable or do not agree on the potential impact of this missense change (SIFT: "Deleterious"; PolyPhen-2: "Probably Damaging"; Align-GVGD: "Class C0"). ClinVar contains an entry for this variant (Variation ID: 966796). This variant is present in population databases (rs200077070, gnomAD 0.004%). This sequence change replaces arginine, which is basic and polar, with glutamine, which is neutral and polar, at codon 200 of the MPDU1 protein (p.Arg200Gln).